The following is an entry in ClinVar:

NM_000094.4(COL7A1):c.267-1G>A

Gene: COL7A1 (collagen type VII alpha 1 chain; minus strand). Cytogenetic location: 3p21.31.
Variant type: single nucleotide variant.
Coding change: c.267-1G>A on transcript NM_000094.4 (MANE Select); the canonical splice acceptor site of the intron before coding-DNA position 267, G replaced by A.
Molecular consequence: splice acceptor variant.
Genome position (GRCh38, 1-based): chr3:48,593,697, C>T on the plus strand (G>A on the coding strand, the complement: COL7A1 is on the minus strand). VCF-style: chr3-48593697-C-T. GRCh37 (hg19) VCF-style: chr3-48631130-C-T.
Identifiers: ClinVar variation 2801703 (VCV002801703.3), dbSNP rs1575495784, ClinGen allele CA352749003.

ClinVar aggregate classification (germline): Pathogenic (1 of 4 stars; one submission).

Submission:

Labcorp Genetics (formerly Invitae), Labcorp
Classification: Pathogenic. Last evaluated: 2023-02-03. Review status: criteria provided, single submitter. Criteria: Invitae Variant Classification Sherloc (09022015). Collection method: clinical testing. Allele origin: germline.
Comment: For these reasons, this variant has been classified as Pathogenic. Studies have shown that disruption of this splice site is associated with altered splicing resulting in multiple out-of-frame RNA products (PMID: 12485454). Disruption of this splice site has been observed in individual(s) with autosomal recessive dystrophic epidermolysis bullosa (PMID: 12485454). In at least one individual the data is consistent with being in trans (on the opposite chromosome) from a pathogenic variant. This variant is not present in population databases (gnomAD no frequency). This sequence change affects an acceptor splice site in intron 2 of the COL7A1 gene. It is expected to disrupt RNA splicing. Variants that disrupt the donor or acceptor splice site typically lead to a loss of protein function (PMID: 16199547), and loss-of-function variants in COL7A1 are known to be pathogenic (PMID: 16971478).

Literature cited by the submitters: PubMed 12485454; PubMed 16199547; PubMed 16971478.